The following is an entry in ClinVar:

NM_000540.3(RYR1):c.11445G>T (p.Met3815Ile)

Gene: RYR1 (ryanodine receptor 1; plus strand). Cytogenetic location: 19q13.2.
Variant type: single nucleotide variant.
Coding change: c.11445G>T on transcript NM_000540.3 (MANE Select); coding-DNA position 11445, G replaced by T.
Protein change: p.Met3815Ile; replaces methionine 3815 with isoleucine.
Molecular consequence: missense variant.
Genome position (GRCh38, 1-based): chr19:38,535,321, G>T. VCF-style: chr19-38535321-G-T. GRCh37 (hg19) VCF-style: chr19-39025961-G-T.
Other names: c.11430G>T, p.Met3810Ile (NM_001042723.2); short protein forms M3810I, M3815I.
Identifiers: ClinVar variation 2702273 (VCV002702273.3), dbSNP rs2514531558, ClinGen allele CA405655688.

ClinVar aggregate classification (germline): Uncertain significance (1 of 4 stars; one submission).

Conditions:
RYR1-related disorder. Also called: RYR1-related condition; RYR1-related disorders. Identifiers: MedGen CN239331.

Submission:

Labcorp Genetics (formerly Invitae), Labcorp
Classification: Uncertain significance for RYR1-related disorder. Last evaluated: 2024-02-16. Review status: criteria provided, single submitter. Criteria: Invitae Variant Classification Sherloc (09022015). Collection method: clinical testing. Allele origin: germline.
Comment: This sequence change replaces methionine, which is neutral and non-polar, with isoleucine, which is neutral and non-polar, at codon 3815 of the RYR1 protein (p.Met3815Ile). This variant is not present in population databases (gnomAD no frequency). This variant has not been reported in the literature in individuals affected with RYR1-related conditions. Advanced modeling of protein sequence and biophysical properties (such as structural, functional, and spatial information, amino acid conservation, physicochemical variation, residue mobility, and thermodynamic stability) performed at Invitae indicates that this missense variant is expected to disrupt RYR1 protein function with a positive predictive value of 95%. In summary, the available evidence is currently insufficient to determine the role of this variant in disease. Therefore, it has been classified as a Variant of Uncertain Significance.